The following is an entry in ClinVar:

NM_020297.4(ABCC9):c.2011G>A (p.Ala671Thr)

Gene: ABCC9 (ATP binding cassette subfamily C member 9; minus strand). Cytogenetic location: 12p12.1.
Variant type: single nucleotide variant.
Coding change: c.2011G>A on transcript NM_020297.4 (MANE Select); coding-DNA position 2011, G replaced by A.
Protein change: p.Ala671Thr; replaces alanine 671 with threonine.
Molecular consequence: missense variant.
Genome position (GRCh38, 1-based): chr12:21,882,774, C>T on the plus strand (G>A on the coding strand, the complement: ABCC9 is on the minus strand). VCF-style: chr12-21882774-C-T. GRCh37 (hg19) VCF-style: chr12-22035708-C-T.
Other names: c.2011G>A, p.Ala671Thr (NM_001377273.1, NM_005691.4); c.1147G>A, p.Ala383Thr (NM_001377274.1); short protein forms A671T, A383T.
Identifiers: ClinVar variation 533283 (VCV000533283.17), dbSNP rs1220942080, ClinGen allele CA384135027.

ClinVar aggregate classification (germline): Uncertain significance. Review status: criteria provided, multiple submitters, no conflicts (2 of 4 stars). 3 submissions from 3 submitters: Uncertain significance (3). Last evaluated 2024-08-31.

Conditions:
Cardiovascular phenotype. Identifiers: MedGen CN230736.
Dilated cardiomyopathy 1O (CMD1O). Also called: CARDIOMYOPATHY, DILATED, WITH VENTRICULAR TACHYCARDIA. Identifiers: Orphanet 154, MedGen C1837839, MONDO:0012062, OMIM 608569.

Allele frequency attached by ClinVar (database versions not stated): gnomAD 0.00002; TOPMed 0.00001; gnomAD exomes below 0.00001.
gnomAD v4.1: 5 of 1,608,920 alleles (0.00031%); highest among the groups gnomAD compares: Non-Finnish European, 0.00043%; no homozygotes.

Submissions (3):

Labcorp Genetics (formerly Invitae), Labcorp
Classification: Uncertain significance for Dilated cardiomyopathy 1O. Last evaluated: 2024-08-31. Review status: criteria provided, single submitter. Criteria: Invitae Variant Classification Sherloc (09022015). Collection method: clinical testing. Allele origin: germline.
Comment: This sequence change replaces alanine, which is neutral and non-polar, with threonine, which is neutral and polar, at codon 671 of the ABCC9 protein (p.Ala671Thr). This variant is present in population databases (no rsID available, gnomAD 0.007%). This variant has not been reported in the literature in individuals affected with ABCC9-related conditions. ClinVar contains an entry for this variant (Variation ID: 533283). Invitae Evidence Modeling of protein sequence and biophysical properties (such as structural, functional, and spatial information, amino acid conservation, physicochemical variation, residue mobility, and thermodynamic stability) has been performed for this missense variant. However, the output from this modeling did not meet the statistical confidence thresholds required to predict the impact of this variant on ABCC9 protein function. In summary, the available evidence is currently insufficient to determine the role of this variant in disease. Therefore, it has been classified as a Variant of Uncertain Significance.

Ambry Genetics
Classification: Uncertain significance for Cardiovascular phenotype. Last evaluated: 2023-06-07. Review status: criteria provided, single submitter. Criteria: Ambry Variant Classification Scheme 2023. Collection method: clinical testing. Allele origin: germline.
Comment: The p.A671T variant (also known as c.2011G>A), located in coding exon 14 of the ABCC9 gene, results from a G to A substitution at nucleotide position 2011. The alanine at codon 671 is replaced by threonine, an amino acid with similar properties. This amino acid position is highly conserved in available vertebrate species. In addition, the in silico prediction for this alteration is inconclusive. Since supporting evidence is limited at this time, the clinical significance of this alteration remains unclear.

Revvity Omics, Revvity
Classification: Uncertain significance. Last evaluated: 2022-01-21. Review status: criteria provided, single submitter. Criteria: ACMG Guidelines, 2015. Collection method: clinical testing. Allele origin: germline.